The following is an entry in ClinVar:

ClinVar aggregate classification (germline): Uncertain significance (0 of 4 stars; one submission).

Conditions:
NRXN3-related disorder. Also called: NRXN3-related condition.

gnomAD v4.1: 105 of 1,613,444 alleles (0.0065%); highest among the groups gnomAD compares: African/African-American, 0.065%; no homozygotes.

Submission:

PreventionGenetics, part of Exact Sciences
Classification: Uncertain significance for NRXN3-related condition. Last evaluated: 2024-04-29. Review status: no assertion criteria provided. Collection method: clinical testing. Allele origin: germline.
Comment: The NRXN3 c.211A>G variant is predicted to result in the amino acid substitution p.Ile71Val. To our knowledge, this variant has not been reported in the literature. This variant is reported in 0.068% of alleles in individuals of African descent in gnomAD. Although we suspect that this variant may be benign, at this time, the clinical significance of this variant is uncertain due to the absence of conclusive functional and genetic evidence.

NM_001330195.2(NRXN3):c.3263-186719A>G

Gene: NRXN3 (neurexin 3; plus strand). Cytogenetic location: 14q31.1.
Variant type: single nucleotide variant.
Coding change: c.3263-186719A>G on transcript NM_001330195.2 (MANE Select); 186719 bases into the intron before coding-DNA position 3263, A replaced by G.
Molecular consequence: intron variant. On other transcripts: missense variant (3), non-coding transcript variant (1).
Genome position (GRCh38, 1-based): chr14:79,280,502, A>G. VCF-style: chr14-79280502-A-G. GRCh37 (hg19) VCF-style: chr14-79746845-A-G.
Other names: c.211A>G, p.Ile71Val (NM_001105250.3, NM_001272020.2, NM_138970.5); c.3275-186719A>G (NM_001366426.1); c.3263-186719A>G (NM_001366425.1); c.2144-186719A>G (NM_004796.6); short protein forms I71V.
Identifiers: ClinVar variation 3350389 (VCV003350389.1).